The following is an entry in ClinVar:

NM_004260.4(RECQL4):c.2064_2065del (p.Leu689fs)

Gene: RECQL4 (RecQ like helicase 4; minus strand). Cytogenetic location: 8q24.3.
Variant type: Deletion.
Coding change: c.2064_2065del on transcript NM_004260.4 (MANE Select); coding-DNA positions 2064 to 2065, 2 bases deleted (GT; older notation c.2064_2065delGT).
Protein change: p.Leu689fs; shifts the reading frame from leucine 689.
Molecular consequence: frameshift variant. On other transcripts: non-coding transcript variant (2).
Genome position (GRCh38, 1-based): chr8:144,513,706-144,513,707, AC deleted on the plus strand (GT on the coding strand, the reverse complement: RECQL4 is on the minus strand); deleting any 2 consecutive bases within chr8:144,513,706-144,513,708 gives the same sequence; the c. name uses the placement nearest the transcript's 3' end. VCF-style (leftmost placement, unchanged base first): chr8-144513705-AAC-A. GRCh37 (hg19) VCF-style: chr8-145739089-AAC-A.
Other names: c.1968_1969del, p.Leu657fs (NM_001413017.1, NM_001413020.1); c.2064_2065del, p.Leu689fs (NM_001413018.1, NM_001413019.1, NM_001413036.1); c.993_994del, p.Leu332fs (NM_001413021.1, NM_001413022.1, NM_001413023.1 and 6 more transcripts); c.861_862del, p.Leu288fs (NM_001413037.1); c.2034_2035del, p.Leu679fs (NM_001413039.1); c.927_928del, p.Leu310fs (NM_001413041.1, NM_001413027.1, NM_001413030.1 and 1 more transcripts); c.963_964del, p.Leu322fs (NM_001413042.1); c.597_598del, p.Leu200fs (NM_001413043.1); and 4 more; short protein forms L288fs, L332fs, L646fs, L200fs, L266fs, L322fs, L645fs, L657fs.
Identifiers: ClinVar variation 2828981 (VCV002828981.3), dbSNP rs2538020596, ClinGen allele CA2739269068.

ClinVar aggregate classification (germline): Pathogenic (1 of 4 stars; one submission).

Conditions:
Baller-Gerold syndrome (BGS). Also called: CRANIOSYNOSTOSIS WITH RADIAL DEFECTS. Identifiers: Orphanet 1225, MedGen C0265308, MONDO:0009039, OMIM 218600.

Submission:

Labcorp Genetics (formerly Invitae), Labcorp
Classification: Pathogenic for Baller-Gerold syndrome. Last evaluated: 2023-01-16. Review status: criteria provided, single submitter. Criteria: Invitae Variant Classification Sherloc (09022015). Collection method: clinical testing. Allele origin: germline.
Comment: For these reasons, this variant has been classified as Pathogenic. This variant has not been reported in the literature in individuals affected with RECQL4-related conditions. This variant is not present in population databases (gnomAD no frequency). This sequence change creates a premature translational stop signal (p.Leu689Aspfs*119) in the RECQL4 gene. It is expected to result in an absent or disrupted protein product. Loss-of-function variants in RECQL4 are known to be pathogenic (PMID: 12734318, 12952869).

Literature cited by the submitters: PubMed 12734318; PubMed 12952869.